The following is an entry in ClinVar:

ClinVar aggregate classification (germline): Uncertain significance (0 of 4 stars; one submission).

Conditions:
CACNB2-related disorder. Also called: CACNB2-related condition.

Allele frequency attached by ClinVar (database versions not stated): ExAC 0.00001; gnomAD 0.00001; gnomAD exomes 0.00001; TOPMed 0.00002; ESP Exome Variant Server 0.00008.
gnomAD v4.1: 21 of 1,614,096 alleles (0.0013%); highest among the groups gnomAD compares: Non-Finnish European, 0.0017%; no homozygotes.

Submission:

PreventionGenetics, part of Exact Sciences
Classification: Uncertain significance for CACNB2-related condition. Last evaluated: 2023-11-29. Review status: no assertion criteria provided. Collection method: clinical testing. Allele origin: germline.
Comment: The CACNB2 c.19A>G variant is predicted to result in the amino acid substitution p.Arg7Gly. To our knowledge, this variant has not been reported in the literature. This variant is reported in 0.0016% of alleles in individuals of European (Non-Finnish) descent in gnomAD. At this time, the clinical significance of this variant is uncertain due to the absence of conclusive functional and genetic evidence.

NM_201596.3(CACNB2):c.214-874A>G

Gene: CACNB2 (calcium voltage-gated channel auxiliary subunit beta 2; plus strand). Cytogenetic location: 10p12.31.
Variant type: single nucleotide variant.
Coding change: c.214-874A>G on transcript NM_201596.3 (MANE Select); 874 bases into the intron before coding-DNA position 214, A replaced by G.
Molecular consequence: intron variant. On other transcripts: missense variant (2).
Genome position (GRCh38, 1-based): chr10:18,401,050, A>G. VCF-style: chr10-18401050-A-G. GRCh37 (hg19) VCF-style: chr10-18689979-A-G.
Other names: c.19A>G, p.Arg7Gly (NM_001410882.1, NM_201570.3); c.130-874A>G (NM_201571.4, NM_001167945.2, NM_201572.4); c.214-874A>G (NM_201593.3, NM_201597.3); c.49-874A>G (NM_000724.4, NM_001330060.2); c.52-874A>G (NM_201590.3); short protein forms R7G.
Identifiers: ClinVar variation 3049050 (VCV003049050.2), dbSNP rs370040046, ClinGen allele CA5429524.